The following is an entry in ClinVar:

NM_015474.4(SAMHD1):c.1565G>A (p.Cys522Tyr)

Gene: SAMHD1 (SAM and HD domain containing deoxynucleoside triphosphate triphosphohydrolase 1; minus strand). Cytogenetic location: 20q11.23.
Variant type: single nucleotide variant.
Coding change: c.1565G>A on transcript NM_015474.4 (MANE Select); coding-DNA position 1565, G replaced by A.
Protein change: p.Cys522Tyr; replaces cysteine 522 with tyrosine.
Molecular consequence: missense variant. On other transcripts: intron variant (1).
Genome position (GRCh38, 1-based): chr20:36,898,483, C>T on the plus strand (G>A on the coding strand, the complement: SAMHD1 is on the minus strand). VCF-style: chr20-36898483-C-T. GRCh37 (hg19) VCF-style: chr20-35526886-C-T.
Other names: c.1565G>A, p.Cys522Tyr (NM_001363733.2); c.1504-524G>A (NM_001363729.2); short protein forms C522Y.
Identifiers: ClinVar variation 1063202 (VCV001063202.8), dbSNP rs1046544176, ClinGen allele CA314281784.

ClinVar aggregate classification (germline): Uncertain significance. Review status: criteria provided, single submitter (1 of 4 stars). 2 submissions from 2 submitters: Uncertain significance (1). 1 of the submissions does not count toward it. Last evaluated 2020-02-25.

Conditions:
Aicardi-Goutieres syndrome 5. Identifiers: Orphanet 51, MedGen C2749659, MONDO:0013059, OMIM 612952.
Aicardi Goutieres syndrome (AGS). Also called: Encephalopathy, familial infantile, with calcification of basal ganglia and chronic cerebrospinal fluid lymphocytosis. Identifiers: Orphanet 51, MedGen C0393591, MONDO:0018866.

Allele frequency attached by ClinVar (database versions not stated): gnomAD exomes below 0.00001.
gnomAD v4.1: 8 of 1,613,996 alleles (0.0005%); highest among the groups gnomAD compares: Non-Finnish European, 0.00068%; no homozygotes.

Submissions (2):

Labcorp Genetics (formerly Invitae), Labcorp
Classification: Uncertain significance for Aicardi-Goutieres syndrome 5. Last evaluated: 2020-02-25. Review status: criteria provided, single submitter. Criteria: Invitae Variant Classification Sherloc (09022015). Collection method: clinical testing. Allele origin: germline.
Comment: In summary, the available evidence is currently insufficient to determine the role of this variant in disease. Therefore, it has been classified as a Variant of Uncertain Significance. Algorithms developed to predict the effect of missense changes on protein structure and function output the following: SIFT: "Deleterious"; PolyPhen-2: "Benign"; Align-GVGD: "Class C0". The tyrosine amino acid residue is found in multiple mammalian species, suggesting that this missense change does not adversely affect protein function. These predictions have not been confirmed by published functional studies and their clinical significance is uncertain. This variant has not been reported in the literature in individuals with SAMHD1-related conditions. This variant is not present in population databases (ExAC no frequency). This sequence change replaces cysteine with tyrosine at codon 522 of the SAMHD1 protein (p.Cys522Tyr). The cysteine residue is moderately conserved and there is a large physicochemical difference between cysteine and tyrosine.

Natera, Inc.
Classification: Uncertain significance for Aicardi-Goutieres syndrome. Last evaluated: 2020-09-25. Review status: no assertion criteria provided. Collection method: clinical testing. Allele origin: germline. Not counted in ClinVar's aggregate classification.